The following is an entry in ClinVar:

ClinVar aggregate classification (germline): Uncertain significance. Review status: criteria provided, multiple submitters, no conflicts (2 of 4 stars). 2 submissions from 2 submitters: Uncertain significance (2). Last evaluated 2022-08-10.

Allele frequency attached by ClinVar (database versions not stated): TOPMed below 0.00001; gnomAD 0.00001; gnomAD exomes 0.00001.
gnomAD v4.1: 23 of 1,613,142 alleles (0.0014%); highest among the groups gnomAD compares: Non-Finnish European, 0.0018%; no homozygotes.

Submissions (2):

GeneDx
Classification: Uncertain significance. Last evaluated: 2022-08-10. Review status: criteria provided, single submitter. Criteria: GeneDx Variant Classification Process June 2021. Collection method: clinical testing. Allele origin: germline. Affected: yes.
Comment: Not observed at significant frequency in large population cohorts (gnomAD); In silico analysis supports that this missense variant has a deleterious effect on protein structure/function; Has not been previously published as pathogenic or benign to our knowledge

Labcorp Genetics (formerly Invitae), Labcorp
Classification: Uncertain significance. Last evaluated: 2022-03-28. Review status: criteria provided, single submitter. Criteria: Invitae Variant Classification Sherloc (09022015). Collection method: clinical testing. Allele origin: germline.
Comment: This sequence change replaces alanine, which is neutral and non-polar, with valine, which is neutral and non-polar, at codon 130 of the TYMP protein (p.Ala130Val). This variant is present in population databases (no rsID available, gnomAD no frequency). This variant has not been reported in the literature in individuals affected with TYMP-related conditions. Advanced modeling of protein sequence and biophysical properties (such as structural, functional, and spatial information, amino acid conservation, physicochemical variation, residue mobility, and thermodynamic stability) performed at Invitae indicates that this missense variant is expected to disrupt TYMP protein function. Algorithms developed to predict the effect of sequence changes on RNA splicing suggest that this variant may create or strengthen a splice site. In summary, the available evidence is currently insufficient to determine the role of this variant in disease. Therefore, it has been classified as a Variant of Uncertain Significance.

NM_001953.5(TYMP):c.389C>T (p.Ala130Val)

Gene: TYMP (thymidine phosphorylase; minus strand). Cytogenetic location: 22q13.33.
Variant type: single nucleotide variant.
Coding change: c.389C>T on transcript NM_001953.5 (MANE Select); coding-DNA position 389, C replaced by T.
Protein change: p.Ala130Val; replaces alanine 130 with valine.
Molecular consequence: missense variant.
Genome position (GRCh38, 1-based): chr22:50,529,164, G>A on the plus strand (C>T on the coding strand, the complement: TYMP is on the minus strand). VCF-style: chr22-50529164-G-A. GRCh37 (hg19) VCF-style: chr22-50967593-G-A.
Other names: c.389C>T, p.Ala130Val (NM_001113755.3, NM_001113756.3, NM_001257988.1 and 1 more transcripts); c.389C>T (NM_001953.3); short protein forms A130V.
Identifiers: ClinVar variation 2150999 (VCV002150999.2), dbSNP rs1449781565, ClinGen allele CA412201953.
Genomic context (GRCh38, chr22:50,529,164, plus strand): 5'-GGCTCCCGTCTGGAAAGGAGGTGGTTTCTAACCTTGCAGCCACATGCCGCCAGGGCAGGT[G>A]CGAGGACCAGGCTGACCTTGTCACCCACACCCCCTGTGGAATGCTTGTCCACAAGCTGCT-3'
Protein context (NP_001944.1, residues 120-140): GVGDKVSLVL[Ala130Val]PALAACGCKV